The following is an entry in ClinVar:

NM_001197104.2(KMT2A):c.2855A>G (p.Asp952Gly)

Gene: KMT2A (lysine methyltransferase 2A; plus strand). Cytogenetic location: 11q23.3.
Variant type: single nucleotide variant.
Coding change: c.2855A>G on transcript NM_001197104.2 (MANE Select); coding-DNA position 2855, A replaced by G.
Protein change: p.Asp952Gly; replaces aspartic acid 952 with glycine.
Molecular consequence: missense variant.
Genome position (GRCh38, 1-based): chr11:118,474,014, A>G. VCF-style: chr11-118474014-A-G. GRCh37 (hg19) VCF-style: chr11-118344729-A-G.
Other names: c.2954A>G, p.Asp985Gly (NM_001412597.1); c.2855A>G, p.Asp952Gly (NM_005933.4); short protein forms D985G, D952G.
Identifiers: ClinVar variation 2756733 (VCV002756733.3), dbSNP rs782719950, ClinGen allele CA382818307.

ClinVar aggregate classification (germline): Uncertain significance (1 of 4 stars; one submission).

gnomAD v4.1: 1 of 1,613,876 alleles (0.000062%); highest among the groups gnomAD compares: Non-Finnish European, 0.000085%; no homozygotes.

Submission:

Labcorp Genetics (formerly Invitae), Labcorp
Classification: Uncertain significance. Last evaluated: 2023-08-30. Review status: criteria provided, single submitter. Criteria: Invitae Variant Classification Sherloc (09022015). Collection method: clinical testing. Allele origin: germline.
Comment: In summary, the available evidence is currently insufficient to determine the role of this variant in disease. Therefore, it has been classified as a Variant of Uncertain Significance. Advanced modeling of protein sequence and biophysical properties (such as structural, functional, and spatial information, amino acid conservation, physicochemical variation, residue mobility, and thermodynamic stability) performed at Invitae indicates that this missense variant is not expected to disrupt KMT2A protein function. This variant has not been reported in the literature in individuals affected with KMT2A-related conditions. This variant is not present in population databases (gnomAD no frequency). This sequence change replaces aspartic acid, which is acidic and polar, with glycine, which is neutral and non-polar, at codon 952 of the KMT2A protein (p.Asp952Gly).